The following is an entry in ClinVar:

ClinVar aggregate classification (germline): Pathogenic (1 of 4 stars; one submission).

Conditions:
Familial sleep-related hypermotor epilepsy. Also called: Autosomal Dominant Sleep-Related Hypermotor (Hyperkinetic) Epilepsy. Identifiers: Orphanet 98784, MedGen C3696898, MONDO:0000030.

Submission:

Labcorp Genetics (formerly Invitae), Labcorp
Classification: Pathogenic for Familial sleep-related hypermotor epilepsy. Last evaluated: 2023-07-09. Review status: criteria provided, single submitter. Criteria: Invitae Variant Classification Sherloc (09022015). Collection method: clinical testing. Allele origin: unknown.
Comment: A gross deletion of the genomic region encompassing the full coding sequence of the PRIMA1 gene has been identified. Loss-of-function variants in PRIMA1 are known to be pathogenic (PMID: 26339676). The boundaries of this event are unknown as they extend beyond the assayed region for this gene and therefore may encompass additional genes. This variant has not been reported in the literature in individuals affected with PRIMA1-related conditions. For these reasons, this variant has been classified as Pathogenic.

Literature cited by the submitters: PubMed 26339676.

NC_000014.8:g.(?_94187790)_(94254064_?)del

Gene: PRIMA1 (proline rich membrane anchor 1; minus strand). Cytogenetic location: 14q32.12.
Variant type: Deletion.
Identifiers: ClinVar variation 3244043 (VCV003244043.1).